The following is an entry in ClinVar:

NM_000038.6(APC):c.4271C>T (p.Pro1424Leu)

Gene: APC (APC regulator of Wnt signaling pathway; plus strand). Cytogenetic location: 5q22.2.
Variant type: single nucleotide variant.
Coding change: c.4271C>T on transcript NM_000038.6 (MANE Select); coding-DNA position 4271, C replaced by T.
Protein change: p.Pro1424Leu; replaces proline 1424 with leucine.
Molecular consequence: missense variant.
Genome position (GRCh38, 1-based): chr5:112,839,865, C>T. VCF-style: chr5-112839865-C-T. GRCh37 (hg19) VCF-style: chr5-112175562-C-T.
Other names: c.4271C>T, p.Pro1424Leu (NM_001127510.3, NM_001354895.2); c.4217C>T, p.Pro1406Leu (NM_001127511.3); c.4325C>T, p.Pro1442Leu (NM_001354896.2); c.4301C>T, p.Pro1434Leu (NM_001354897.2); c.4196C>T, p.Pro1399Leu (NM_001354898.2); c.4187C>T, p.Pro1396Leu (NM_001354899.2); c.4148C>T, p.Pro1383Leu (NM_001354900.2); c.4094C>T, p.Pro1365Leu (NM_001354901.2); and 5 more; short protein forms P1323L, P1396L, P1264L, P1406L, P1442L, P1141L, P1365L, P1399L.
Identifiers: ClinVar variation 824745 (VCV000824745.4), dbSNP rs1580645953, ClinGen allele CA16030691.
Genomic context (GRCh38, chr5:112,839,865, plus strand): 5'-CCGTTCAGAGTGAACCATGCAGTGGAATGGTAAGTGGCATTATAAGCCCCAGTGATCTTC[C>T]AGATAGCCCTGGACAAACCATGCCACCAAGCAGAAGTAAAACACCTCCACCACCTCCTCA-3'
Protein context (NP_000029.2, residues 1414-1434): VSGIISPSDL[Pro1424Leu]DSPGQTMPPS

ClinVar aggregate classification (germline): Uncertain significance (1 of 4 stars; one submission).

Conditions:
Hereditary cancer-predisposing syndrome. Also called: Neoplastic Syndromes, Hereditary; Tumor predisposition; Hereditary neoplastic syndrome; Hereditary Cancer Syndrome. Identifiers: Orphanet 140162, MedGen C0027672, MeSH D009386, MONDO:0015356.

Submission:

Ambry Genetics
Classification: Uncertain significance for Hereditary cancer-predisposing syndrome. Last evaluated: 2019-02-19. Review status: criteria provided, single submitter. Criteria: Ambry Variant Classification Scheme 2023. Collection method: clinical testing. Allele origin: germline.
Comment: The p.P1424L variant (also known as c.4271C>T), located in coding exon 15 of the APC gene, results from a C to T substitution at nucleotide position 4271. The proline at codon 1424 is replaced by leucine, an amino acid with similar properties. This amino acid position is highly conserved in available vertebrate species. In addition, in silico predictors for this gene do not accurately predict pathogenicity. Since supporting evidence is limited at this time, the clinical significance of this alteration remains unclear.